The following is an entry in ClinVar:

NM_017763.6(RNF43):c.461C>T (p.Pro154Leu)

Gene: RNF43 (ring finger protein 43; minus strand). Cytogenetic location: 17q22.
Variant type: single nucleotide variant.
Coding change: c.461C>T on transcript NM_017763.6 (MANE Select); coding-DNA position 461, C replaced by T.
Protein change: p.Pro154Leu; replaces proline 154 with leucine.
Molecular consequence: missense variant.
Genome position (GRCh38, 1-based): chr17:58,363,396, G>A on the plus strand (C>T on the coding strand, the complement: RNF43 is on the minus strand). VCF-style: chr17-58363396-G-A. GRCh37 (hg19) VCF-style: chr17-56440757-G-A.
Other names: c.461C>T, p.Pro154Leu (NM_001305544.3); c.80C>T, p.Pro27Leu (NM_001305545.2); short protein forms P154L, P27L.
Identifiers: ClinVar variation 2180827 (VCV002180827.6), dbSNP rs774211426, ClinGen allele CA8673406.

ClinVar aggregate classification (germline): Uncertain significance. Review status: criteria provided, multiple submitters, no conflicts (2 of 4 stars). 3 submissions from 3 submitters: Uncertain significance (3). Last evaluated 2026-03-20.

Allele frequency attached by ClinVar (database versions not stated): gnomAD exomes below 0.00001; ExAC 0.00001.
gnomAD v4.1: 4 of 1,614,140 alleles (0.00025%); highest among the groups gnomAD compares: Non-Finnish European, 0.00025%; no homozygotes.

Submissions (3):

Ambry Genetics
Classification: Uncertain significance. Last evaluated: 2026-03-20. Review status: criteria provided, single submitter. Criteria: Ambry Variant Classification Scheme 2023. Collection method: clinical testing. Allele origin: germline.
Comment: The p.P154L variant (also known as c.461C>T), located in coding exon 4 of the RNF43 gene, results from a C to T substitution at nucleotide position 461. The proline at codon 154 is replaced by leucine, an amino acid with similar properties. This amino acid position is well conserved in available vertebrate species. In addition, the in silico prediction for this alteration is inconclusive. Based on the available evidence, the clinical significance of this variant remains unclear.

Labcorp Genetics (formerly Invitae), Labcorp
Classification: Uncertain significance. Last evaluated: 2024-01-27. Review status: criteria provided, single submitter. Criteria: Invitae Variant Classification Sherloc (09022015). Collection method: clinical testing. Allele origin: germline.
Comment: This sequence change replaces proline, which is neutral and non-polar, with leucine, which is neutral and non-polar, at codon 154 of the RNF43 protein (p.Pro154Leu). This variant is present in population databases (rs774211426, gnomAD 0.0009%). This variant has not been reported in the literature in individuals affected with RNF43-related conditions. ClinVar contains an entry for this variant (Variation ID: 2180827). An algorithm developed to predict the effect of missense changes on protein structure and function (PolyPhen-2) suggests that this variant is likely to be disruptive. In summary, the available evidence is currently insufficient to determine the role of this variant in disease. Therefore, it has been classified as a Variant of Uncertain Significance.

GeneDx
Classification: Uncertain significance. Last evaluated: 2024-01-17. Review status: criteria provided, single submitter. Criteria: GeneDx Variant Classification Process June 2021. Collection method: clinical testing. Allele origin: germline. Affected: yes.
Comment: Not observed at significant frequency in large population cohorts (gnomAD); In silico analysis supports that this missense variant has a deleterious effect on protein structure/function; Has not been previously published as pathogenic or benign to our knowledge; Variants in candidate genes are classified as variants of uncertain significance in accordance with ACMG guidelines (PMID: 25741868); This variant is associated with the following publications: (PMID: 27329244, 27514024, 36358773, 35964683)